The following is an entry in ClinVar:

NM_001374828.1(ARID1B):c.591GCA[16] (p.Gln214_His215insGlnGlnGlnGlnGlnGlnGlnGlnGln)

Genes: ARID1B (AT-rich interaction domain 1B; plus strand), LOC115308161 (uncharacterized LOC115308161; minus strand). Cytogenetic location: 6q25.3.
Variant type: Microsatellite.
Coding change: c.591GCA[16] on transcript NM_001374828.1 (MANE Select); 16 copies in a row of the 3-base unit GCA starting at c.591.
Protein change: p.Gln214_His215insGlnGlnGlnGlnGlnGlnGlnGlnGln.
Molecular consequence: inframe insertion. On other transcripts: non-coding transcript variant (1).
Genome position: GRCh38 VCF-style: chr6-156778268-C-CCAGCAGCAGCAGCAGCAGCAGCAGCAG. GRCh37 (hg19) VCF-style: chr6-157099402-C-CCAGCAGCAGCAGCAGCAGCAGCAGCAG.
Other names: c.591GCA[16], p.Gln214_His215insGlnGlnGlnGlnGlnGlnGlnGlnGln (NM_001371656.1, NM_001374820.1, NM_001438482.1 and 9 more transcripts).
Identifiers: ClinVar variation 4805103 (VCV004805103.1).

ClinVar aggregate classification (germline): Uncertain significance (1 of 4 stars; one submission).

Submission:

Labcorp Genetics (formerly Invitae), Labcorp
Classification: Uncertain significance. Last evaluated: 2025-05-26. Review status: criteria provided, single submitter. Criteria: Invitae Variant Classification Sherloc (09022015). Collection method: clinical testing. Allele origin: germline.
Comment: This variant, c.362_363insGCAGCAGCAGCAGCAGCAGCAGCAGCA, results in the insertion of 9 amino acid(s) of the ARID1B protein (p.Gln123_Gln131dup), but otherwise preserves the integrity of the reading frame. This variant is not present in population databases (gnomAD no frequency). This variant has not been reported in the literature in individuals affected with ARID1B-related conditions. In summary, the available evidence is currently insufficient to determine the role of this variant in disease. Therefore, it has been classified as a Variant of Uncertain Significance.